The following is an entry in ClinVar:

ClinVar aggregate classification (germline): Uncertain significance. Review status: criteria provided, multiple submitters, no conflicts (2 of 4 stars). 2 submissions from 2 submitters: Uncertain significance (2). Last evaluated 2024-12-13.

Conditions:
Catecholaminergic polymorphic ventricular tachycardia 1. Also called: VENTRICULAR TACHYCARDIA, STRESS-INDUCED POLYMORPHIC 1; RYR2-Related Catecholaminergic Polymorphic Ventricular Tachycardia; VENTRICULAR TACHYCARDIA, CATECHOLAMINERGIC POLYMORPHIC, 1, WITH OR WITHOUT ATRIAL DYSFUNCTION AND/OR DILATED CARDIOMYOPATHY. Identifiers: Orphanet 3286, MedGen C1631597, MONDO:0011484, OMIM 604772.

gnomAD v4.1: 1 of 1,596,510 alleles (0.000063%); highest among the groups gnomAD compares: Non-Finnish European, 0.000085%; no homozygotes.

Submissions (2):

GeneDx
Classification: Uncertain significance. Last evaluated: 2024-12-13. Review status: criteria provided, single submitter. Criteria: GeneDx Variant Classification Process June 2021. Collection method: clinical testing. Allele origin: germline. Affected: yes.
Comment: Not observed at significant frequency in large population cohorts (gnomAD); In silico analysis supports that this missense variant has a deleterious effect on protein structure/function; Has not been previously published as pathogenic or benign to our knowledge; Not located in one of the three hot-spot regions of the RYR2 gene, where the majority of pathogenic missense variants occur (PMID: 19926015); This variant is associated with the following publications: (PMID: 19926015)

Labcorp Genetics (formerly Invitae), Labcorp
Classification: Uncertain significance for Catecholaminergic polymorphic ventricular tachycardia 1. Last evaluated: 2024-11-04. Review status: criteria provided, single submitter. Criteria: Invitae Variant Classification Sherloc (09022015). Collection method: clinical testing. Allele origin: germline.
Comment: This sequence change replaces methionine, which is neutral and non-polar, with threonine, which is neutral and polar, at codon 2585 of the RYR2 protein (p.Met2585Thr). This variant is not present in population databases (gnomAD no frequency). This variant has not been reported in the literature in individuals affected with RYR2-related conditions. ClinVar contains an entry for this variant (Variation ID: 954378). Invitae Evidence Modeling of protein sequence and biophysical properties (such as structural, functional, and spatial information, amino acid conservation, physicochemical variation, residue mobility, and thermodynamic stability) indicates that this missense variant is expected to disrupt RYR2 protein function with a positive predictive value of 80%. In summary, the available evidence is currently insufficient to determine the role of this variant in disease. Therefore, it has been classified as a Variant of Uncertain Significance.

NM_001035.3(RYR2):c.7754T>C (p.Met2585Thr)

Gene: RYR2 (ryanodine receptor 2; plus strand). Cytogenetic location: 1q43.
Variant type: single nucleotide variant.
Coding change: c.7754T>C on transcript NM_001035.3 (MANE Select); coding-DNA position 7754, T replaced by C.
Protein change: p.Met2585Thr; replaces methionine 2585 with threonine.
Molecular consequence: missense variant.
Genome position (GRCh38, 1-based): chr1:237,651,431, T>C. VCF-style: chr1-237651431-T-C. GRCh37 (hg19) VCF-style: chr1-237814731-T-C.
Other names: short protein forms M2585T.
Identifiers: ClinVar variation 954378 (VCV000954378.12), dbSNP rs1682720451, ClinGen allele CA345399549.